The following is an entry in ClinVar:

NM_005733.3(KIF20A):c.2629C>T (p.Arg877Cys)

Gene: KIF20A (kinesin family member 20A; plus strand). Cytogenetic location: 5q31.2.
Variant type: single nucleotide variant.
Coding change: c.2629C>T on transcript NM_005733.3 (MANE Select); coding-DNA position 2629, C replaced by T.
Protein change: p.Arg877Cys; replaces arginine 877 with cysteine.
Molecular consequence: missense variant.
Genome position (GRCh38, 1-based): chr5:138,187,369, C>T. VCF-style: chr5-138187369-C-T. GRCh37 (hg19) VCF-style: chr5-137523058-C-T.
Other names: c.2629C>T (NM_005733.2); short protein forms R877C.
Identifiers: ClinVar variation 2189916 (VCV002189916.5), dbSNP rs373613515, ClinGen allele CA3426951.

ClinVar aggregate classification (germline): Uncertain significance. Review status: criteria provided, multiple submitters, no conflicts (2 of 4 stars). 2 submissions from 2 submitters: Uncertain significance (2). Last evaluated 2025-06-22.

Allele frequency attached by ClinVar (database versions not stated): TOPMed 0.00001; ExAC 0.00004; ESP Exome Variant Server 0.00008.
gnomAD v4.1: 6 of 1,614,152 alleles (0.00037%); highest among the groups gnomAD compares: Admixed American, 0.0017%; no homozygotes.

Submissions (2):

Labcorp Genetics (formerly Invitae), Labcorp
Classification: Uncertain significance. Last evaluated: 2025-06-22. Review status: criteria provided, single submitter. Criteria: Invitae Variant Classification Sherloc (09022015). Collection method: clinical testing. Allele origin: germline.
Comment: This sequence change replaces arginine, which is basic and polar, with cysteine, which is neutral and slightly polar, at codon 877 of the KIF20A protein (p.Arg877Cys). This variant is present in population databases (rs373613515, gnomAD 0.01%). This variant has not been reported in the literature in individuals affected with KIF20A-related conditions. ClinVar contains an entry for this variant (Variation ID: 2189916). An algorithm developed to predict the effect of missense changes on protein structure and function outputs the following: PolyPhen-2: "Benign". The cysteine amino acid residue is found in multiple mammalian species, which suggests that this missense change does not adversely affect protein function. In summary, the available evidence is currently insufficient to determine the role of this variant in disease. Therefore, it has been classified as a Variant of Uncertain Significance.

Ambry Genetics
Classification: Uncertain significance. Last evaluated: 2022-02-17. Review status: criteria provided, single submitter. Criteria: Ambry Variant Classification Scheme 2023. Collection method: clinical testing. Allele origin: germline.